The following is an entry in ClinVar:

ClinVar aggregate classification (germline): Conflicting classifications of pathogenicity. Review status: criteria provided, conflicting classifications (1 of 4 stars). 3 submissions from 3 submitters: Uncertain significance (2); Likely benign (1). Last evaluated 2023-04-01.

Conditions:
Glycogen storage disease type III (GSD3). Also called: Cori disease; FORBES DISEASE. Identifiers: Orphanet 366, MedGen C0017922, MONDO:0009291, OMIM 232400.

Allele frequency attached by ClinVar (database versions not stated): 1000 Genomes Project 0.00100; 1000 Genomes Project 30x 0.00109; TOPMed 0.00440; gnomAD 0.00475 and 0.00522.

Submissions (3):

CeGaT Center for Human Genetics Tuebingen
Classification: Likely benign. Last evaluated: 2023-04-01. Review status: criteria provided, single submitter. Criteria: CeGaT Center For Human Genetics Tuebingen Variant Classification Criteria Version 2. Collection method: clinical testing. Allele origin: germline. Affected: yes. Observed: 3 variant alleles.
Comment: AGL: BS2

Fulgent Genetics
Classification: Uncertain significance for Glycogen storage disease type III. Last evaluated: 2021-12-17. Review status: criteria provided, single submitter. Criteria: ACMG Guidelines, 2015. Collection method: clinical testing. Allele origin: unknown.

Illumina Laboratory Services, Illumina
Classification: Uncertain significance for Glycogen storage disease type III. Last evaluated: 2018-01-13. Review status: criteria provided, single submitter. Criteria: ICSL Variant Classification Criteria 13 December 2019. Collection method: clinical testing. Allele origin: germline.

NM_000642.3(AGL):c.*2060T>C

Gene: AGL (amylo-alpha-1,6-glucosidase and 4-alpha-glucanotransferase; plus strand). Cytogenetic location: 1p21.2.
Variant type: single nucleotide variant.
Coding change: c.*2060T>C on transcript NM_000642.3 (MANE Select); 2060 bases downstream of the stop codon, T replaced by C.
Molecular consequence: 3 prime UTR variant.
Genome position (GRCh38, 1-based): chr1:99,923,711, T>C. VCF-style: chr1-99923711-T-C. GRCh37 (hg19) VCF-style: chr1-100389267-T-C.
Other names: c.*2060T>C (NM_000028.3, NM_000643.3, NM_000644.3 and 7 more transcripts).
Identifiers: ClinVar variation 874239 (VCV000874239.34), dbSNP rs191429370, ClinGen allele CA27566458.